The following is an entry in ClinVar:

NM_020964.3(EPG5):c.3992T>C (p.Ile1331Thr)

Gene: EPG5 (ectopic P-granules 5 autophagy tethering factor; minus strand). Cytogenetic location: 18q21.1.
Variant type: single nucleotide variant.
Coding change: c.3992T>C on transcript NM_020964.3 (MANE Select); coding-DNA position 3992, T replaced by C.
Protein change: p.Ile1331Thr; replaces isoleucine 1331 with threonine.
Molecular consequence: missense variant.
Genome position (GRCh38, 1-based): chr18:45,910,734, A>G on the plus strand (T>C on the coding strand, the complement: EPG5 is on the minus strand). VCF-style: chr18-45910734-A-G. GRCh37 (hg19) VCF-style: chr18-43490699-A-G.
Other names: c.3992T>C, p.Ile1331Thr (NM_001410858.1, NM_001410859.1); short protein forms I1331T.
Identifiers: ClinVar variation 4743281 (VCV004743281.1).

ClinVar aggregate classification (germline): Uncertain significance (1 of 4 stars; one submission).

Conditions:
Vici syndrome (VICIS). Identifiers: Orphanet 1493, MedGen C1855772, MONDO:0009452, OMIM 242840.

gnomAD v4.1: 1 of 1,613,346 alleles (0.000062%); no homozygotes.

Submission:

Labcorp Genetics (formerly Invitae), Labcorp
Classification: Uncertain significance for Vici syndrome. Last evaluated: 2026-02-01. Review status: criteria provided, single submitter. Criteria: Invitae Variant Classification Sherloc (09022015). Collection method: clinical testing. Allele origin: germline.
Comment: This sequence change replaces isoleucine, which is neutral and non-polar, with threonine, which is neutral and polar, at codon 1331 of the EPG5 protein (p.Ile1331Thr). This variant is not present in population databases (gnomAD no frequency). This variant has not been reported in the literature in individuals affected with EPG5-related conditions. Invitae Evidence Modeling of protein sequence and biophysical properties (such as structural, functional, and spatial information, amino acid conservation, physicochemical variation, residue mobility, and thermodynamic stability) indicates that this missense variant is not expected to disrupt EPG5 protein function with a negative predictive value of 80%. In summary, the available evidence is currently insufficient to determine the role of this variant in disease. Therefore, it has been classified as a Variant of Uncertain Significance.